The following is an entry in ClinVar:

ClinVar aggregate classification (germline): Uncertain significance. Review status: criteria provided, multiple submitters, no conflicts (2 of 4 stars). 2 submissions from 2 submitters: Uncertain significance (2). Last evaluated 2024-05-21.

Conditions:
Developmental and epileptic encephalopathy, 42 (DEE42A). Also called: Epileptic encephalopathy, early infantile, 42; DEVELOPMENTAL AND EPILEPTIC ENCEPHALOPATHY 42A; EPILEPTIC ENCEPHALOPATHY, EARLY INFANTILE, 42A. Identifiers: MedGen C4310716, MONDO:0014917, OMIM 617106.
Episodic ataxia type 2 (EA2). Also called: EPISODIC ATAXIA, NYSTAGMUS-ASSOCIATED; ACETAZOLAMIDE-RESPONSIVE HEREDITARY PAROXYSMAL CEREBELLAR ATAXIA; ATAXIA, EPISODIC, WITH NYSTAGMUS; ATAXIA, FAMILIAL PAROXYSMAL; CEREBELLAR ATAXIA, PAROXYSMAL, ACETAZOLAMIDE-RESPONSIVE; CEREBELLOPATHY, HEREDITARY PAROXYSMAL. Identifiers: Orphanet 97, MedGen C1720416, MONDO:0007163, OMIM 108500.

Allele frequency attached by ClinVar (database versions not stated): gnomAD 0.00001.
gnomAD v4.1: 2 of 1,613,142 alleles (0.00012%); highest among the groups gnomAD compares: African/African-American, 0.0013%; no homozygotes.

Submissions (2):

GeneDx
Classification: Uncertain significance. Last evaluated: 2024-05-21. Review status: criteria provided, single submitter. Criteria: GeneDx Variant Classification Process June 2021. Collection method: clinical testing. Allele origin: germline. Affected: yes.
Comment: Not observed at significant frequency in large population cohorts (gnomAD); In silico analysis supports that this missense variant has a deleterious effect on protein structure/function; Has not been previously published as pathogenic or benign to our knowledge

Labcorp Genetics (formerly Invitae), Labcorp
Classification: Uncertain significance for Developmental and epileptic encephalopathy, 42; Episodic ataxia type 2. Last evaluated: 2019-11-20. Review status: criteria provided, single submitter. Criteria: Invitae Variant Classification Sherloc (09022015). Collection method: clinical testing. Allele origin: germline.
Comment: This variant is not present in population databases (ExAC no frequency). This sequence change replaces asparagine with lysine at codon 831 of the CACNA1A protein (p.Asn831Lys). The asparagine residue is highly conserved and there is a moderate physicochemical difference between asparagine and lysine. This variant has not been reported in the literature in individuals with CACNA1A-related conditions. Algorithms developed to predict the effect of missense changes on protein structure and function are either unavailable or do not agree on the potential impact of this missense change (SIFT: "Deleterious"; PolyPhen-2: "Possibly Damaging"; Align-GVGD: "Class C0"). In summary, the available evidence is currently insufficient to determine the role of this variant in disease. Therefore, it has been classified as a Variant of Uncertain Significance.

NM_001127222.2(CACNA1A):c.2490C>G (p.Asn830Lys)

Gene: CACNA1A (calcium voltage-gated channel subunit alpha1 A; minus strand). Cytogenetic location: 19p13.13.
Variant type: single nucleotide variant.
Coding change: c.2490C>G on transcript NM_001127222.2 (MANE Select); coding-DNA position 2490, C replaced by G.
Protein change: p.Asn830Lys; replaces asparagine 830 with lysine.
Molecular consequence: missense variant.
Genome position (GRCh38, 1-based): chr19:13,299,143, G>C on the plus strand (C>G on the coding strand, the complement: CACNA1A is on the minus strand). VCF-style: chr19-13299143-G-C. GRCh37 (hg19) VCF-style: chr19-13409957-G-C.
Other names: c.2502C>G, p.Asn834Lys (NM_000068.4, NM_023035.3); c.2493C>G, p.Asn831Lys (NM_001127221.2, NM_001174080.2); short protein forms N830K, N831K, N834K.
Identifiers: ClinVar variation 837996 (VCV000837996.11), dbSNP rs1248783281, ClinGen allele CA404343339.
Genomic context (GRCh38, chr19:13,299,143, plus strand): 5'-GCCGAGGCGCTGGTCCACGGTGGGCTCGGCCGCCCGGCTCTTGTTGGTGTTGTTGTTGCG[G>C]TTCTCCTGCGGGTCCACCACCAGCGGCCGGTCCAAGTGCGTCTTCATGTCTGGCCGCAGG-3'
Protein context (NP_001120694.1, residues 820-840): DRPLVVDPQE[Asn830Lys]RNNNTNKSRA